The following is an entry in ClinVar:

ClinVar aggregate classification (germline): not provided (0 of 4 stars; one submission).

Conditions:
Normal pregnancy. Identifiers: MedGen C0232989.

Submission:

Institute of Molecular and Cell Biology, University of Tartu
No classification provided. Condition: Normal pregnancy. Review status: no classification provided. Collection method: case-control. Allele origin: unknown. Affected: yes. Study: Kasak2014.
Comment: The study aimed to determine the contribution of copy number variants in the genetic etiology of normal and complicated pregnancies. The samples represented (i) maternal blood DNA drawn from healthy pregnant women during 1st or 2nd trimester and (ii) maternal and paternal blood DNA drawn at term pregnancy cases representing normal and complicated gestations (severe preeclampsia, PE; gestational diabetes, GD; small-for-gestational age newborn, SGA; large-for-gestational age newborn, LGA). We performed CNV calling based on genome-wide genotyping dataset (Illumina HumanOmniExpress-24-v1 BeadChip) by applying three algorithms, QuantiSNP, GADA (Genome Alteration Detection Algorithm) and CNstream in parallel. The acquired CNV calls were merged with HD-CNV (Hotspot Detector for Copy Number Variants) program and only the CNVs predicted by at least two programs, were considered in subsequent analysis.

Literature cited by the submitters: PubMed 25666259.

NC_000011.10:g.67606198_67820541dup

Genes: ACY3 (aminoacylase 3; minus strand), ALDH3B2 (aldehyde dehydrogenase 3 family member B2; minus strand), NDUFV1 (NADH:ubiquinone oxidoreductase core subunit V1; plus strand), NDUFV1-DT (NDUFV1 divergent transcript; minus strand), NUDT8 (nudix hydrolase 8; minus strand) and 18 more. Cytogenetic location: 11q13.2.
Variant type: Duplication.
Identifiers: ClinVar variation 157206 (VCV000157206.3).